The following is an entry in ClinVar:

ClinVar aggregate classification (germline): Uncertain significance (1 of 4 stars; one submission).

gnomAD v4.1: 12 of 1,613,216 alleles (0.00074%); highest among the groups gnomAD compares: Non-Finnish European, 0.00059%; no homozygotes.

Submission:

Labcorp Genetics (formerly Invitae), Labcorp
Classification: Uncertain significance. Last evaluated: 2025-12-18. Review status: criteria provided, single submitter. Criteria: Invitae Variant Classification Sherloc (09022015). Collection method: clinical testing. Allele origin: germline.
Comment: This sequence change replaces serine, which is neutral and polar, with leucine, which is neutral and non-polar, at codon 893 of the ITGB4 protein (p.Ser893Leu). This variant is present in population databases (no rsID available, gnomAD 0.005%). This variant has not been reported in the literature in individuals affected with ITGB4-related conditions. Invitae Evidence Modeling of protein sequence and biophysical properties (such as structural, functional, and spatial information, amino acid conservation, physicochemical variation, residue mobility, and thermodynamic stability) indicates that this missense variant is not expected to disrupt ITGB4 protein function with a negative predictive value of 80%. In summary, the available evidence is currently insufficient to determine the role of this variant in disease. Therefore, it has been classified as a Variant of Uncertain Significance.

NM_000213.5(ITGB4):c.2678C>T (p.Ser893Leu)

Gene: ITGB4 (integrin subunit beta 4; plus strand). Cytogenetic location: 17q25.1.
Variant type: single nucleotide variant.
Coding change: c.2678C>T on transcript NM_000213.5 (MANE Select); coding-DNA position 2678, C replaced by T.
Protein change: p.Ser893Leu; replaces serine 893 with leucine.
Molecular consequence: missense variant.
Genome position (GRCh38, 1-based): chr17:75,742,385, C>T. VCF-style: chr17-75742385-C-T. GRCh37 (hg19) VCF-style: chr17-73738466-C-T.
Other names: c.2678C>T, p.Ser893Leu (NM_001005619.2, NM_001005731.3, NM_001321123.2 and 1 more transcripts); short protein forms S893L.
Identifiers: ClinVar variation 4753045 (VCV004753045.1).